The following is an entry in ClinVar:

NM_032520.5(GNPTG):c.717del (p.Phe239fs)

Gene: GNPTG (N-acetylglucosamine-1-phosphate transferase subunit gamma; plus strand). Cytogenetic location: 16p13.3.
Variant type: Deletion.
Coding change: c.717del on transcript NM_032520.5 (MANE Select); coding-DNA position 717, one base deleted (T; older notation c.717delT).
Protein change: p.Phe239fs; shifts the reading frame from phenylalanine 239.
Molecular consequence: frameshift variant.
Genome position (GRCh38, 1-based): chr16:1,362,718, T deleted; the last of 3 consecutive T bases (chr16:1,362,716-1,362,718); deleting any one gives the same sequence. VCF-style (leftmost placement, unchanged base first): chr16-1362715-GT-G. GRCh37 (hg19) VCF-style: chr16-1412716-GT-G.
Other names: short protein forms F239fs.
Identifiers: ClinVar variation 1074640 (VCV001074640.9), dbSNP rs2141864300, ClinGen allele CA2499223221.
Genomic context (GRCh38, chr16:1,362,715, plus strand): 5'-CTTAAAGACCCCAGAAGAAAATGAACCCACCCAGCTGGAGGGAGGTCCTGACAGCTTGGG[GT>G]TTGAGACCCTGGAAAACTGCAGGAAGGTACCGTATTGGGGGGAGGTGGTGGCACGCAGTA-3'

ClinVar aggregate classification (germline): Pathogenic (1 of 4 stars; one submission).

Submission:

Labcorp Genetics (formerly Invitae), Labcorp
Classification: Pathogenic. Last evaluated: 2020-08-19. Review status: criteria provided, single submitter. Criteria: Invitae Variant Classification Sherloc (09022015). Collection method: clinical testing. Allele origin: germline.
Comment: This variant is not present in population databases (ExAC no frequency). This sequence change creates a premature translational stop signal (p.Phe239Leufs*21) in the GNPTG gene. It is expected to result in an absent or disrupted protein product. This variant has not been reported in the literature in individuals with GNPTG-related conditions. Loss-of-function variants in GNPTG are known to be pathogenic (PMID: 19370764, 20301784). For these reasons, this variant has been classified as Pathogenic.

Literature cited by the submitters: PubMed 19370764; PubMed 20301784.